The following is an entry in ClinVar:

ClinVar aggregate classification (germline): Pathogenic (1 of 4 stars; one submission).

Conditions:
Weiss-Kruszka syndrome. Also called: Metopic ridging-ptosis-facial dysmorphism syndrome. Identifiers: Orphanet 502430, MedGen C5568107, MONDO:0032836, OMIM 618619.

Submission:

Institute of Human Genetics, University of Leipzig Medical Center
Classification: Pathogenic for Weiss-Kruszka syndrome. Last evaluated: 2025-03-04. Review status: criteria provided, single submitter. Criteria: ACMG Guidelines, 2015. Collection method: clinical testing. Allele origin: de novo. Inheritance: Autosomal dominant inheritance. Affected: yes.
Comment: Criteria applied: PVS1,PM2,PS2_MOD

NM_021224.6(ZNF462):c.1975C>T (p.Gln659Ter)

Gene: ZNF462 (zinc finger protein 462; plus strand). Cytogenetic location: 9q31.2.
Variant type: single nucleotide variant.
Coding change: c.1975C>T on transcript NM_021224.6 (MANE Select); coding-DNA position 1975, C replaced by T.
Protein change: p.Gln659Ter; replaces glutamine 659 with a stop codon.
Molecular consequence: nonsense.
Genome position (GRCh38, 1-based): chr9:106,925,887, C>T. VCF-style: chr9-106925887-C-T. GRCh37 (hg19) VCF-style: chr9-109688168-C-T.
Other names: c.1975C>T, p.Gln659Ter (NM_001347997.2); short protein forms Q659*.
Identifiers: ClinVar variation 3359072 (VCV003359072.2).